The following is an entry in ClinVar:

ClinVar aggregate classification (germline): Uncertain significance (1 of 4 stars; one submission).

gnomAD v4.1: 31 of 1,572,054 alleles (0.002%); highest among the groups gnomAD compares: Non-Finnish European, 0.0026%; no homozygotes.

Submission:

Labcorp Genetics (formerly Invitae), Labcorp
Classification: Uncertain significance. Last evaluated: 2025-07-02. Review status: criteria provided, single submitter. Criteria: Invitae Variant Classification Sherloc (09022015). Collection method: clinical testing. Allele origin: germline.
Comment: This sequence change replaces threonine, which is neutral and polar, with alanine, which is neutral and non-polar, at codon 2150 of the CACNA1B protein (p.Thr2150Ala). The frequency data for this variant in the population databases is considered unreliable, as metrics indicate poor data quality at this position in the gnomAD database. This variant has not been reported in the literature in individuals affected with CACNA1B-related conditions. Invitae Evidence Modeling of protein sequence and biophysical properties (such as structural, functional, and spatial information, amino acid conservation, physicochemical variation, residue mobility, and thermodynamic stability) indicates that this missense variant is not expected to disrupt CACNA1B protein function with a negative predictive value of 80%. In summary, the available evidence is currently insufficient to determine the role of this variant in disease. Therefore, it has been classified as a Variant of Uncertain Significance.

NM_000718.4(CACNA1B):c.6448A>G (p.Thr2150Ala)

Gene: CACNA1B (calcium voltage-gated channel subunit alpha1 B; plus strand). Cytogenetic location: 9q34.3.
Variant type: single nucleotide variant.
Coding change: c.6448A>G on transcript NM_000718.4 (MANE Select); coding-DNA position 6448, A replaced by G.
Protein change: p.Thr2150Ala; replaces threonine 2150 with alanine.
Molecular consequence: missense variant.
Genome position (GRCh38, 1-based): chr9:138,120,840, A>G. VCF-style: chr9-138120840-A-G. GRCh37 (hg19) VCF-style: chr9-141015292-A-G.
Other names: c.6448A>G, p.Thr2150Ala (NM_001243812.2); short protein forms T2150A.
Identifiers: ClinVar variation 4777277 (VCV004777277.1).